The following is an entry in ClinVar:

NM_000380.4(XPA):c.424del (p.Thr142fs)

Gene: XPA (XPA, DNA damage recognition and repair factor; minus strand). Cytogenetic location: 9q22.33.
Variant type: Deletion.
Coding change: c.424del on transcript NM_000380.4 (MANE Select); coding-DNA position 424, one base deleted (A; older notation c.424delA).
Protein change: p.Thr142fs; shifts the reading frame from threonine 142.
Molecular consequence: frameshift variant. On other transcripts: non-coding transcript variant (4).
Genome position (GRCh38, 1-based): chr9:97,687,227, T deleted on the plus strand (A on the coding strand, the reverse complement: XPA is on the minus strand); the first of 4 consecutive T bases (chr9:97,687,227-97,687,230); deleting any one gives the same sequence. VCF-style (leftmost placement, unchanged base first): chr9-97687226-GT-G. GRCh37 (hg19) VCF-style: chr9-100449508-GT-G.
Other names: c.298del, p.Thr100fs (NM_001354975.2); short protein forms T100fs, T142fs.
Identifiers: ClinVar variation 2866510 (VCV002866510.3), dbSNP rs2490221510, ClinGen allele CA2739264873.

ClinVar aggregate classification (germline): Pathogenic (1 of 4 stars; one submission).

Submission:

Labcorp Genetics (formerly Invitae), Labcorp
Classification: Pathogenic. Last evaluated: 2023-05-20. Review status: criteria provided, single submitter. Criteria: Invitae Variant Classification Sherloc (09022015). Collection method: clinical testing. Allele origin: germline.
Comment: For these reasons, this variant has been classified as Pathogenic. Algorithms developed to predict the effect of sequence changes on RNA splicing suggest that this variant may disrupt the consensus splice site. This variant has not been reported in the literature in individuals affected with XPA-related conditions. This variant is not present in population databases (gnomAD no frequency). This sequence change creates a premature translational stop signal (p.Thr142Glnfs*9) in the XPA gene. It is expected to result in an absent or disrupted protein product. Loss-of-function variants in XPA are known to be pathogenic (PMID: 27607234).

Literature cited by the submitters: PubMed 27607234.